The following is an entry in ClinVar:

NM_001029883.3(PCARE):c.*506T>C

Gene: PCARE (photoreceptor cilium actin regulator; minus strand). Cytogenetic location: 2p23.2.
Variant type: single nucleotide variant.
Coding change: c.*506T>C on transcript NM_001029883.3 (MANE Select); 506 bases downstream of the stop codon, T replaced by C.
Molecular consequence: 3 prime UTR variant.
Genome position (GRCh38, 1-based): chr2:29,064,363, A>G on the plus strand (T>C on the coding strand, the complement: PCARE is on the minus strand). VCF-style: chr2-29064363-A-G. GRCh37 (hg19) VCF-style: chr2-29287229-A-G.
Identifiers: ClinVar variation 335628 (VCV000335628.6), dbSNP rs10194257, ClinGen allele CA10613102.

ClinVar aggregate classification (germline): Benign. Review status: criteria provided, multiple submitters, no conflicts (2 of 4 stars). 2 submissions from 2 submitters: Benign (2). Last evaluated 2018-01-13.

Conditions:
Retinitis pigmentosa (RP). Identifiers: Orphanet 791, MedGen C0035334, MeSH D012174, MONDO:0019200, OMIM 268000. Inheritance: Autosomal dominant, autosomal recessive and X linked inheritance.

Allele frequency attached by ClinVar (database versions not stated): gnomAD exomes 0.26610; gnomAD 0.33552 and 0.33732; TOPMed 0.35977; 1000 Genomes Project 0.38958; 1000 Genomes Project 30x 0.39304.
gnomAD v4.1: 58,302 of 179,192 alleles (33%); highest among the groups gnomAD compares: African/African-American, 50%; 10,791 homozygotes.

Submissions (2):

Illumina Laboratory Services, Illumina
Classification: Benign for Retinitis pigmentosa. Last evaluated: 2018-01-13. Review status: criteria provided, single submitter. Criteria: ICSL Variant Classification Criteria 13 December 2019. Collection method: clinical testing. Allele origin: germline.
Comment: This variant was observed in the ICSL laboratory as part of a predisposition screen in an ostensibly healthy population. It had not been previously curated by ICSL or reported in the Human Gene Mutation Database (HGMD: prior to June 1st, 2018), and was therefore a candidate for classification through an automated scoring system. Utilizing variant allele frequency, disease prevalence and penetrance estimates, and inheritance mode, an automated score was calculated to assess if this variant is too frequent to cause the disease. Based on the score and internal cut-off values, a variant classified as benign is not then subjected to further curation. The score for this variant resulted in a classification of benign for this disease.

Breakthrough Genomics
Classification: Benign. Review status: criteria provided, single submitter. Criteria: ACMG Guidelines, 2015. Collection method: not provided. Allele origin: germline. Inheritance: Unknown mechanism. Affected: yes.